The following is an entry in ClinVar:

ClinVar aggregate classification (germline): Likely pathogenic (1 of 4 stars; one submission).

Conditions:
COL2A1-related disorder. Also called: COL2A1-related condition; COL2A1-related disorders.

Submission:

PreventionGenetics, part of Exact Sciences
Classification: Likely pathogenic for COL2A1-related condition. Last evaluated: 2025-08-15. Review status: criteria provided, single submitter. Criteria: ACMG Guidelines, 2015. Collection method: clinical testing. Allele origin: germline.
Comment: The COL2A1 c.3636delT variant is predicted to result in a frameshift and premature protein termination (p.Pro1214Leufs*13). To our knowledge, this variant has not been reported in the literature or in a large population database (gnomAD), indicating this variant is rare. Frameshift variants in COL2A1 are expected to be pathogenic. This variant is interpreted as likely pathogenic.

NM_001844.5(COL2A1):c.3636del (p.Pro1214fs)

Gene: COL2A1 (collagen type II alpha 1 chain; minus strand). Cytogenetic location: 12q13.11.
Variant type: Deletion.
Coding change: c.3636del on transcript NM_001844.5 (MANE Select); coding-DNA position 3636, one base deleted (T; older notation c.3636delT).
Protein change: p.Pro1214fs; shifts the reading frame from proline 1214.
Molecular consequence: frameshift variant.
Genome position (GRCh38, 1-based): chr12:47,975,567, A deleted on the plus strand (T on the coding strand, the reverse complement: COL2A1 is on the minus strand). VCF-style (leftmost placement, unchanged base first): chr12-47975566-GA-G. GRCh37 (hg19) VCF-style: chr12-48369349-GA-G.
Other names: c.3429del, p.Pro1145fs (NM_033150.3); short protein forms P1214fs, P1145fs.
Identifiers: ClinVar variation 4993551 (VCV004993551.1).